The following is an entry in ClinVar:

ClinVar aggregate classification (germline): Uncertain significance (1 of 4 stars; one submission).

Submission:

Labcorp Genetics (formerly Invitae), Labcorp
Classification: Uncertain significance. Last evaluated: 2022-02-23. Review status: criteria provided, single submitter. Criteria: Invitae Variant Classification Sherloc (09022015). Collection method: clinical testing. Allele origin: germline.
Comment: In summary, the available evidence is currently insufficient to determine the role of this variant in disease. Therefore, it has been classified as a Variant of Uncertain Significance. Advanced modeling of protein sequence and biophysical properties (such as structural, functional, and spatial information, amino acid conservation, physicochemical variation, residue mobility, and thermodynamic stability) performed at Invitae indicates that this missense variant is expected to disrupt FBXL4 protein function. This variant has not been reported in the literature in individuals affected with FBXL4-related conditions. This variant is not present in population databases (gnomAD no frequency). This sequence change replaces isoleucine, which is neutral and non-polar, with threonine, which is neutral and polar, at codon 474 of the FBXL4 protein (p.Ile474Thr).

NM_001278716.2(FBXL4):c.1421T>C (p.Ile474Thr)

Gene: FBXL4 (F-box and leucine rich repeat protein 4; minus strand). Cytogenetic location: 6q16.1.
Variant type: single nucleotide variant.
Coding change: c.1421T>C on transcript NM_001278716.2 (MANE Select); coding-DNA position 1421, T replaced by C.
Protein change: p.Ile474Thr; replaces isoleucine 474 with threonine.
Molecular consequence: missense variant. On other transcripts: non-coding transcript variant (1).
Genome position (GRCh38, 1-based): chr6:98,875,696, A>G on the plus strand (T>C on the coding strand, the complement: FBXL4 is on the minus strand). VCF-style: chr6-98875696-A-G. GRCh37 (hg19) VCF-style: chr6-99323572-A-G.
Other names: c.1421T>C, p.Ile474Thr (NM_012160.5); short protein forms I474T.
Identifiers: ClinVar variation 2102612 (VCV002102612.4), dbSNP rs2534899489, ClinGen allele CA365087898.
Genomic context (GRCh38, chr6:98,875,696, plus strand): 5'-TCAGTAATATTCTTACATCTCCACAGATCCAGGGTCCGGAGTTTTTTACACTTGGCTCCT[A>G]TCATGCTAGCTATCACATCATAGTCTTCAATCTGGAAATCAAATAATTCCAATCTTTTAC-3'
Protein context (NP_001265645.1, residues 464-484): IEDYDVIASM[Ile474Thr]GAKCKKLRTL